The following is an entry in ClinVar:

NM_052947.4(ALPK2):c.5812G>A (p.Val1938Met)

Gene: ALPK2 (alpha kinase 2; minus strand). Cytogenetic location: 18q21.31.
Variant type: single nucleotide variant.
Coding change: c.5812G>A on transcript NM_052947.4 (MANE Select); coding-DNA position 5812, G replaced by A.
Protein change: p.Val1938Met; replaces valine 1938 with methionine.
Molecular consequence: missense variant.
Genome position (GRCh38, 1-based): chr18:58,517,036, C>T on the plus strand (G>A on the coding strand, the complement: ALPK2 is on the minus strand). VCF-style: chr18-58517036-C-T. GRCh37 (hg19) VCF-style: chr18-56184268-C-T.
Other names: short protein forms V1938M.
Identifiers: ClinVar variation 1749854 (VCV001749854.2), dbSNP rs2518862821, ClinGen allele CA402548715.
Genomic context (GRCh38, chr18:58,517,036, plus strand): 5'-TGTGCACCTTAAGCACACAGGCATGGCCAGGTTTGAAGACAGGCATGAGGCCGTGCATCA[C>T]TGTGCTGCGGAAGGCTTTGCGGTGAACCCCTTCTCCAAAGTGCAGCTCCTCCGTGGCGAT-3'
Protein context (NP_443179.3, residues 1928-1948): GVHRKAFRST[Val1938Met]MHGLMPVFKP

ClinVar aggregate classification (germline): Uncertain significance (1 of 4 stars; one submission).

Submission:

Ambry Genetics
Classification: Uncertain significance. Last evaluated: 2021-11-06. Review status: criteria provided, single submitter. Criteria: Ambry Variant Classification Scheme 2023. Collection method: clinical testing. Allele origin: germline.
Comment: The p.V1938M variant (also known as c.5812G>A), located in coding exon 8 of the ALPK2 gene, results from a G to A substitution at nucleotide position 5812. The valine at codon 1938 is replaced by methionine, an amino acid with highly similar properties. This amino acid position is conserved. In addition, this alteration is predicted to be tolerated by in silico analysis. Since supporting evidence is limited at this time, the clinical significance of this alteration remains unclear.